The following is an entry in ClinVar:

NM_001985.3(ETFB):c.490C>T (p.Arg164Trp)

Gene: ETFB (electron transfer flavoprotein subunit beta; minus strand). Cytogenetic location: 19q13.41.
Variant type: single nucleotide variant.
Coding change: c.490C>T on transcript NM_001985.3 (MANE Select); coding-DNA position 490, C replaced by T.
Protein change: p.Arg164Trp; replaces arginine 164 with tryptophan.
Molecular consequence: missense variant.
Genome position (GRCh38, 1-based): chr19:51,347,007, G>A on the plus strand (C>T on the coding strand, the complement: ETFB is on the minus strand). VCF-style: chr19-51347007-G-A. GRCh37 (hg19) VCF-style: chr19-51850261-G-A.
Other names: c.490C>T (NM_001985.2); c.763C>T, p.Arg255Trp (NM_001014763.1); short protein forms R255W, R164W.
Identifiers: ClinVar variation 1454900 (VCV001454900.13), dbSNP rs148045813, ClinGen allele CA9610733.
Genomic context (GRCh38, chr19:51,347,007, plus strand): 5'-CAGCTGTCACCACAGCTGGCAGCTTCAGGCGCAGGGTCTCCAGGCCCCCATCGATCTCCC[G>A]CTCCACTTTCAACTTGTCCCCCTCCAGCGTCACCTGGGAGGCGAATGTGCCCTGGGGAGG-3'
Protein context (NP_001976.1, residues 154-174): TLEGDKLKVE[Arg164Trp]EIDGGLETLR

ClinVar aggregate classification (germline): Conflicting classifications of pathogenicity. Review status: criteria provided, conflicting classifications (1 of 4 stars). 4 submissions from 4 submitters: Pathogenic (1); Likely pathogenic (2); Uncertain significance (1). Last evaluated 2025-05-27.

Conditions:
Multiple acyl-CoA dehydrogenase deficiency (MADD). Also called: Glutaric acidemia type II; GA 2; ETHYLMALONIC-ADIPICACIDURIA; GA II; Glutaric Acidemia type 2; Glutaric aciduria, type 2. Identifiers: Orphanet 26791, MedGen C0268596, MONDO:0009282, OMIM 231680.

Allele frequency attached by ClinVar (database versions not stated): gnomAD 0.00001 and 0.00002; ExAC 0.00002; gnomAD exomes 0.00002 and 0.00005; TOPMed 0.00003; ESP Exome Variant Server 0.00015.
gnomAD v4.1: 30 of 1,612,890 alleles (0.0019%); highest among the groups gnomAD compares: South Asian, 0.0011%; no homozygotes.

Submissions (4):

Labcorp Genetics (formerly Invitae), Labcorp
Classification: Pathogenic for Multiple acyl-CoA dehydrogenase deficiency. Last evaluated: 2025-05-27. Review status: criteria provided, single submitter. Criteria: Invitae Variant Classification Sherloc (09022015). Collection method: clinical testing. Allele origin: germline.
Comment: This sequence change replaces arginine, which is basic and polar, with tryptophan, which is neutral and slightly polar, at codon 164 of the ETFB protein (p.Arg164Trp). This variant is present in population databases (rs148045813, gnomAD 0.09%). This missense change has been observed in individual(s) with multiple acyl-CoA dehydrogenase deficiency (PMID: 18289905; internal data). ClinVar contains an entry for this variant (Variation ID: 1454900). Invitae Evidence Modeling of protein sequence and biophysical properties (such as structural, functional, and spatial information, amino acid conservation, physicochemical variation, residue mobility, and thermodynamic stability) indicates that this missense variant is expected to disrupt ETFB protein function with a positive predictive value of 95%. This variant disrupts the p.Arg164 amino acid residue in ETFB. Other variant(s) that disrupt this residue have been determined to be pathogenic (PMID: 7912128). This suggests that this residue is clinically significant, and that variants that disrupt this residue are likely to be disease-causing. For these reasons, this variant has been classified as Pathogenic.

Baylor Genetics
Classification: Likely pathogenic for Multiple acyl-CoA dehydrogenase deficiency. Last evaluated: 2024-03-20. Review status: criteria provided, single submitter. Criteria: ACMG Guidelines, 2015. Collection method: clinical testing. Allele origin: unknown.

GeneDx
Classification: Uncertain significance. Last evaluated: 2023-12-21. Review status: criteria provided, single submitter. Criteria: GeneDx Variant Classification Process June 2021. Collection method: clinical testing. Allele origin: germline. Affected: yes.
Comment: In silico analysis supports that this missense variant has a deleterious effect on protein structure/function; This variant is associated with the following publications: (PMID: 27081516, 36406819, 18289905)

Revvity Omics, Revvity
Classification: Likely pathogenic for Multiple acyl-CoA dehydrogenase deficiency. Last evaluated: 2023-10-19. Review status: criteria provided, single submitter. Criteria: ACMG Guidelines, 2015. Collection method: clinical testing. Allele origin: germline.

Literature cited by the submitters: PubMed 18289905 (cited by Labcorp Genetics (formerly Invitae), Labcorp); PubMed 7912128 (cited by Labcorp Genetics (formerly Invitae), Labcorp).